The following is an entry in ClinVar:

NM_006766.5(KAT6A):c.4669G>A (p.Glu1557Lys)

Gene: KAT6A (lysine acetyltransferase 6A; minus strand). Cytogenetic location: 8p11.21.
Variant type: single nucleotide variant.
Coding change: c.4669G>A on transcript NM_006766.5 (MANE Select); coding-DNA position 4669, G replaced by A.
Protein change: p.Glu1557Lys; replaces glutamic acid 1557 with lysine.
Molecular consequence: missense variant.
Genome position (GRCh38, 1-based): chr8:41,933,551, C>T on the plus strand (G>A on the coding strand, the complement: KAT6A is on the minus strand). VCF-style: chr8-41933551-C-T. GRCh37 (hg19) VCF-style: chr8-41791069-C-T.
Other names: c.4669G>A (NM_006766.3); short protein forms E1557K.
Identifiers: ClinVar variation 2637442 (VCV002637442.5), dbSNP rs2486754053, ClinGen allele CA371065069.

ClinVar aggregate classification (germline): Uncertain significance. Review status: criteria provided, multiple submitters, no conflicts (2 of 4 stars). 3 submissions from 3 submitters: Uncertain significance (3). Last evaluated 2023-12-15.

Conditions:
Inborn genetic diseases. Identifiers: MedGen C0950123, MeSH D030342.

Submissions (3):

Ambry Genetics
Classification: Uncertain significance for Inborn genetic diseases. Last evaluated: 2023-12-15. Review status: criteria provided, single submitter. Criteria: Ambry Variant Classification Scheme 2023. Collection method: clinical testing. Allele origin: germline.
Comment: The c.4669G>A (p.E1557K) alteration is located in exon 17 (coding exon 16) of the KAT6A gene. This alteration results from a G to A substitution at nucleotide position 4669, causing the glutamic acid (E) at amino acid position 1557 to be replaced by a lysine (K). This variant was not reported in population-based cohorts in the Genome Aggregation Database (gnomAD). This amino acid position is highly conserved in available vertebrate species. The in silico prediction for this alteration is inconclusive. Based on insufficient or conflicting evidence, the clinical significance of this alteration remains unclear.

Women's Health and Genetics/Laboratory Corporation of America, LabCorp
Classification: Uncertain significance. Last evaluated: 2023-10-24. Review status: criteria provided, single submitter. Criteria: LabCorp Variant Classification Summary - May 2015. Collection method: clinical testing. Allele origin: germline.
Comment: Variant summary: KAT6A c.4669G>A (p.Glu1557Lys) results in a conservative amino acid change in the encoded protein sequence. Four of five in-silico tools predict a damaging effect of the variant on protein function. The variant was absent in 251360 control chromosomes (gnomAD). The available data on variant occurrences in the general population are insufficient to allow any conclusion about variant significance. To our knowledge, no occurrence of c.4669G>A in individuals affected with Arboleda-Tham Syndrome and no experimental evidence demonstrating its impact on protein function have been reported. No submitters have cited clinical-significance assessments for this variant to ClinVar after 2014. Based on the evidence outlined above, the variant was classified as uncertain significance.

Labcorp Genetics (formerly Invitae), Labcorp
Classification: Uncertain significance. Last evaluated: 2022-12-25. Review status: criteria provided, single submitter. Criteria: Invitae Variant Classification Sherloc (09022015). Collection method: clinical testing. Allele origin: germline.
Comment: In summary, the available evidence is currently insufficient to determine the role of this variant in disease. Therefore, it has been classified as a Variant of Uncertain Significance. Algorithms developed to predict the effect of missense changes on protein structure and function are either unavailable or do not agree on the potential impact of this missense change (SIFT: "Deleterious"; PolyPhen-2: "Not Available"; Align-GVGD: "Class C0"). This variant has not been reported in the literature in individuals affected with KAT6A-related conditions. This variant is not present in population databases (gnomAD no frequency). This sequence change replaces glutamic acid, which is acidic and polar, with lysine, which is basic and polar, at codon 1557 of the KAT6A protein (p.Glu1557Lys).